The following is an entry in ClinVar:

NC_000016.9:g.(?_89346276)_(89348939_?)del

Gene: ANKRD11 (ankyrin repeat domain 11; minus strand). Cytogenetic location: 16q24.3.
Variant type: Deletion.
Identifiers: ClinVar variation 3243331 (VCV003243331.1).

ClinVar aggregate classification (germline): Likely pathogenic (1 of 4 stars; one submission).

Conditions:
KBG syndrome (KBGS). Also called: ANKRD11-Related KBG Syndrome. Identifiers: Orphanet 2332, MedGen C0220687, MONDO:0007846, OMIM 148050.

Submission:

Labcorp Genetics (formerly Invitae), Labcorp
Classification: Likely pathogenic for KBG syndrome. Last evaluated: 2020-11-16. Review status: criteria provided, single submitter. Criteria: Invitae Variant Classification Sherloc (09022015). Collection method: clinical testing. Allele origin: unknown.
Comment: In summary, the currently available evidence indicates that the variant is pathogenic, but additional data are needed to prove that conclusively. Therefore, this variant has been classified as Likely Pathogenic. Experimental studies and prediction algorithms are not available or were not evaluated, and the functional significance of this variant is currently unknown. This variant has been observed in individual(s) with clinical features of KBG syndrome (Invitae). In at least one individual the variant was observed to be de novo. This variant, c.4011_6674del, is a complex sequence change that results in the deletion of 889 and insertion of 1 amino acid(s) in the ANKRD11 protein (p.Ser1337_Thr2225delinsArg).